The following is an entry in ClinVar:

ClinVar aggregate classification (germline): Benign/Likely benign. Review status: criteria provided, multiple submitters, no conflicts (2 of 4 stars). 3 submissions from 3 submitters: Benign (1); Likely benign (2). Last evaluated 2026-08-19.

Conditions:
DICER1-related tumor predisposition. Also called: DICER1-related pleuropulmonary blastoma cancer predisposition syndrome; DICER1 syndrome. Identifiers: Orphanet 284343, MedGen C3839822, MONDO:0100216.
Hereditary cancer-predisposing syndrome. Also called: Hereditary neoplastic syndrome; Neoplastic Syndromes, Hereditary; Tumor predisposition; Hereditary Cancer Syndrome. Identifiers: Orphanet 140162, MedGen C0027672, MeSH D009386, MONDO:0015356.

Allele frequency attached by ClinVar (database versions not stated): TOPMed below 0.00001.

Submissions (3):

Myriad Genetics, Inc.
Classification: Benign for DICER1-related tumor predisposition. Last evaluated: 2026-08-19. Review status: criteria provided, single submitter. Criteria: Myriad Autosomal Dominant, Autosomal Recessive and X-Linked Classification Criteria (2023). Collection method: clinical testing. Allele origin: unknown.
Comment: This variant is considered benign. This variant is a silent/synonymous amino acid change and it is not expected to impact splicing.

Labcorp Genetics (formerly Invitae), Labcorp
Classification: Likely benign for DICER1-related tumor predisposition. Last evaluated: 2025-07-08. Review status: criteria provided, single submitter. Criteria: Invitae Variant Classification Sherloc (09022015). Collection method: clinical testing. Allele origin: germline.

Ambry Genetics
Classification: Likely benign for Hereditary cancer-predisposing syndrome. Last evaluated: 2020-07-11. Review status: criteria provided, single submitter. Criteria: Ambry Variant Classification Scheme 2023. Collection method: clinical testing. Allele origin: germline.

NM_177438.3(DICER1):c.3624A>G (p.Glu1208=)

Gene: DICER1 (dicer 1, ribonuclease III; minus strand). Cytogenetic location: 14q32.13.
Variant type: single nucleotide variant.
Coding change: c.3624A>G on transcript NM_177438.3 (MANE Select); coding-DNA position 3624, A replaced by G.
Protein change: p.Glu1208=; no amino-acid change (glutamic acid 1208 retained).
Molecular consequence: synonymous variant. On other transcripts: non-coding transcript variant (6).
Genome position (GRCh38, 1-based): chr14:95,103,772, T>C on the plus strand (A>G on the coding strand, the complement: DICER1 is on the minus strand). VCF-style: chr14-95103772-T-C. GRCh37 (hg19) VCF-style: chr14-95570109-T-C.
Other names: c.3624A>G, p.Glu1208= (NM_001195573.1, NM_001271282.3, NM_001291628.2 and 13 more transcripts); c.3342A>G, p.Glu1114= (NM_001395686.1); c.3219A>G, p.Glu1073= (NM_001395687.1, NM_001395688.1, NM_001395689.1 and 2 more transcripts); c.3057A>G, p.Glu1019= (NM_001395691.1); c.1941A>G, p.Glu647= (NM_001395697.1).
Identifiers: ClinVar variation 1733350 (VCV001733350.8), dbSNP rs896543901, ClinGen allele CA265906055.